The following is an entry in ClinVar:

NM_001110556.2(FLNA):c.4514G>A (p.Gly1505Asp)

Gene: FLNA (filamin A; minus strand). Cytogenetic location: Xq28.
Variant type: single nucleotide variant.
Coding change: c.4514G>A on transcript NM_001110556.2 (MANE Select); coding-DNA position 4514, G replaced by A.
Protein change: p.Gly1505Asp; replaces glycine 1505 with aspartic acid.
Molecular consequence: missense variant.
Genome position (GRCh38, 1-based): chrX:154,358,529, C>T on the plus strand (G>A on the coding strand, the complement: FLNA is on the minus strand). VCF-style: chrX-154358529-C-T. GRCh37 (hg19) VCF-style: chrX-153586897-C-T.
Other names: c.4514G>A, p.Gly1505Asp (NM_001456.4); short protein forms G1505D.
Identifiers: ClinVar variation 3025906 (VCV003025906.22), dbSNP rs2522735955, ClinGen allele CA415215743.

ClinVar aggregate classification (germline): Uncertain significance (1 of 4 stars; one submission).

Allele frequency attached by ClinVar (database versions not stated): gnomAD exomes below 0.00001.
gnomAD v4.1: 1 of 1,210,166 alleles (0.000083%); highest among the groups gnomAD compares: Non-Finnish European, 0.00011%; no homozygotes.

Submission:

CeGaT Center for Human Genetics Tuebingen
Classification: Uncertain significance. Last evaluated: 2024-02-01. Review status: criteria provided, single submitter. Criteria: CeGaT Center For Human Genetics Tuebingen Variant Classification Criteria Version 2. Collection method: clinical testing. Allele origin: germline. Affected: yes. Observed: 1 variant allele.
Comment: FLNA: PM2